The following is an entry in ClinVar:

ClinVar aggregate classification (germline): Benign/Likely benign. Review status: criteria provided, multiple submitters, no conflicts (2 of 4 stars). 3 submissions from 3 submitters: Benign (1); Likely benign (2). Last evaluated 2025-03-10.

Conditions:
Mitochondrial complex II deficiency, nuclear type 1. Also called: SUCCINATE CoQ REDUCTASE DEFICIENCY. Identifiers: Orphanet 3208, MedGen C5700310, MONDO:0100294, OMIM 252011.
Pheochromocytoma/paraganglioma syndrome 5. Also called: Paragangliomas 5; SDHA-Related Hereditary Paraganglioma-Pheochromocytoma Syndrome. Identifiers: Orphanet 29072, MedGen C3279992, MONDO:0013602, OMIM 614165.
Hereditary cancer-predisposing syndrome. Also called: Neoplastic Syndromes, Hereditary; Tumor predisposition; Hereditary neoplastic syndrome; Hereditary Cancer Syndrome. Identifiers: Orphanet 140162, MedGen C0027672, MeSH D009386, MONDO:0015356.

Submissions (3):

Myriad Genetics, Inc.
Classification: Benign for Pheochromocytoma/paraganglioma syndrome 5. Last evaluated: 2025-03-10. Review status: criteria provided, single submitter. Criteria: Myriad Autosomal Dominant, Autosomal Recessive and X-Linked Classification Criteria (2023). Collection method: clinical testing. Allele origin: unknown.
Comment: This variant is considered benign. This variant is a silent/synonymous amino acid change and it is not expected to impact splicing.

Labcorp Genetics (formerly Invitae), Labcorp
Classification: Likely benign for Pheochromocytoma/paraganglioma syndrome 5; Mitochondrial complex II deficiency, nuclear type 1. Last evaluated: 2023-07-10. Review status: criteria provided, single submitter. Criteria: Invitae Variant Classification Sherloc (09022015). Collection method: clinical testing. Allele origin: germline.

Ambry Genetics
Classification: Likely benign for Hereditary cancer-predisposing syndrome. Last evaluated: 2023-06-01. Review status: criteria provided, single submitter. Criteria: Ambry Variant Classification Scheme 2023. Collection method: clinical testing. Allele origin: germline.

NM_004168.4(SDHA):c.1443C>A (p.Val481=)

Gene: SDHA (succinate dehydrogenase complex flavoprotein subunit A; plus strand). Cytogenetic location: 5p15.33.
Variant type: single nucleotide variant.
Coding change: c.1443C>A on transcript NM_004168.4 (MANE Select); coding-DNA position 1443, C replaced by A.
Protein change: p.Val481=; no amino-acid change (valine 481 retained).
Molecular consequence: synonymous variant.
Genome position (GRCh38, 1-based): chr5:240,368, C>A. VCF-style: chr5-240368-C-A. GRCh37 (hg19) VCF-style: chr5-240483-C-A.
Other names: c.1443C>A (NM_004168.2); c.1299C>A, p.Val433= (NM_001294332.2); c.1443C>A, p.Val481= (NM_001330758.2).
Identifiers: ClinVar variation 539694 (VCV000539694.12), dbSNP rs751871185, ClinGen allele CA442692193.
Genomic context (GRCh38, chr5:240,368, plus strand): 5'-TTTTTTAAAACGGTTTTCAAAAGTTAAATTCTAGCTTTTTTTTGTTTTAGGAGATAAAGT[C>A]CCTCCAATTAAACCAAACGCTGGGGAAGAATCTGTCATGAATCTTGACAAATTGAGATTT-3'
Protein context (NP_004159.2, residues 471-491): IEESCRPGDK[Val481=]PPIKPNAGEE